The following is an entry in ClinVar:

ClinVar aggregate classification (germline): Uncertain significance (1 of 4 stars; one submission).

Allele frequency attached by ClinVar (database versions not stated): gnomAD 0.00001.
gnomAD v4.1: 1 of 1,613,738 alleles (0.000062%); highest among the groups gnomAD compares: Non-Finnish European, 0.000085%; no homozygotes.

Submission:

Ambry Genetics
Classification: Uncertain significance. Last evaluated: 2023-10-15. Review status: criteria provided, single submitter. Criteria: Ambry Variant Classification Scheme 2023. Collection method: clinical testing. Allele origin: germline.
Comment: The p.H133P variant (also known as c.398A>C), located in coding exon 2 of the IDH1 gene, results from an A to C substitution at nucleotide position 398. The histidine at codon 133 is replaced by proline, an amino acid with similar properties. This amino acid position is conserved. In addition, this alteration is predicted to be deleterious by in silico analysis. Since supporting evidence is limited at this time, the clinical significance of this alteration remains unclear.

NM_005896.4(IDH1):c.398A>C (p.His133Pro)

Gene: IDH1 (isocitrate dehydrogenase (NADP(+)) 1; minus strand). Cytogenetic location: 2q34.
Variant type: single nucleotide variant.
Coding change: c.398A>C on transcript NM_005896.4 (MANE Select); coding-DNA position 398, A replaced by C.
Protein change: p.His133Pro; replaces histidine 133 with proline.
Molecular consequence: missense variant.
Genome position (GRCh38, 1-based): chr2:208,248,385, T>G on the plus strand (A>C on the coding strand, the complement: IDH1 is on the minus strand). VCF-style: chr2-208248385-T-G. GRCh37 (hg19) VCF-style: chr2-209113109-T-G.
Other names: c.398A>C, p.His133Pro (NM_001282386.1, NM_001282387.1); short protein forms H133P.
Identifiers: ClinVar variation 3225142 (VCV003225142.1), dbSNP rs1688060865, ClinGen allele CA350101009.